The following is an entry in ClinVar:

NM_022167.4(XYLT2):c.1239G>A (p.Val413=)

Gene: XYLT2 (xylosyltransferase 2; plus strand). Cytogenetic location: 17q21.33.
Variant type: single nucleotide variant.
Coding change: c.1239G>A on transcript NM_022167.4 (MANE Select); coding-DNA position 1239, G replaced by A.
Protein change: p.Val413=; no amino-acid change (valine 413 retained).
Molecular consequence: synonymous variant.
Genome position (GRCh38, 1-based): chr17:50,355,931, G>A. VCF-style: chr17-50355931-G-A. GRCh37 (hg19) VCF-style: chr17-48433292-G-A.
Identifiers: ClinVar variation 740791 (VCV000740791.9), dbSNP rs376716108, ClinGen allele CA8646402.
Genomic context (GRCh38, chr17:50,355,931, plus strand): 5'-TGTGGTGGATGGCGGTTCTGACTGGTTCGTGCTGACACGCAGCTTTGTGGAGTATGTGGT[G>A]TACACAGATGACCCGCTTGTGGCCCAGCTGCGCCAGTTCTACACATACACACTGCTCCCA-3'
Protein context (NP_071450.2, residues 403-423): VLTRSFVEYV[Val413=]YTDDPLVAQL

ClinVar aggregate classification (germline): Likely benign. Review status: criteria provided, single submitter (1 of 4 stars). 2 submissions from 2 submitters: Likely benign (1). 1 of the submissions does not count toward it. Last evaluated 2025-06-16.

Conditions:
XYLT2-related disorder. Also called: XYLT2-related condition.

Allele frequency attached by ClinVar (database versions not stated): gnomAD 0.00004 and 0.00005; gnomAD exomes 0.00007; ExAC 0.00007; ESP Exome Variant Server 0.00008; TOPMed 0.00005.
gnomAD v4.1: 106 of 1,614,112 alleles (0.0066%); highest among the groups gnomAD compares: Non-Finnish European, 0.0083%; no homozygotes.

Submissions (2):

Labcorp Genetics (formerly Invitae), Labcorp
Classification: Likely benign. Last evaluated: 2025-06-16. Review status: criteria provided, single submitter. Criteria: Invitae Variant Classification Sherloc (09022015). Collection method: clinical testing. Allele origin: germline.

PreventionGenetics, part of Exact Sciences
Classification: Likely benign for XYLT2-related condition. Last evaluated: 2019-03-07. Review status: no assertion criteria provided. Collection method: clinical testing. Allele origin: germline. Not counted in ClinVar's aggregate classification.
Comment: This variant is classified as likely benign based on ACMG/AMP sequence variant interpretation guidelines (Richards et al. 2015 PMID: 25741868, with internal and published modifications).